The following is an entry in ClinVar:

ClinVar aggregate classification (germline): Likely benign. Review status: criteria provided, multiple submitters, no conflicts (2 of 4 stars). 3 submissions from 3 submitters: Likely benign (2). 1 of the submissions does not count toward it. Last evaluated 2026-06-01.

Conditions:
NOTCH2-related disorder. Also called: NOTCH2-related condition.
Hajdu-Cheney syndrome (HJCYS). Also called: ACROOSTEOLYSIS WITH OSTEOPOROSIS AND CHANGES IN SKULL AND MANDIBLE; SERPENTINE FIBULA-POLYCYSTIC KIDNEY SYNDROME; Acroosteolysis dominant type. Identifiers: Orphanet 955, MedGen C0917715, MONDO:0007057, OMIM 102500.

Allele frequency attached by ClinVar (database versions not stated): gnomAD exomes 0.00001 and below 0.00001; TOPMed below 0.00001; ExAC 0.00001.
gnomAD v4.1: 6 of 1,614,156 alleles (0.00037%); highest among the groups gnomAD compares: African/African-American, 0.0013%; no homozygotes.

Submissions (3):

Women's Health and Genetics/Laboratory Corporation of America, LabCorp
Classification: Likely benign. Last evaluated: 2026-06-01. Review status: criteria provided, single submitter. Criteria: LabCorp Variant Classification Summary - May 2015. Collection method: clinical testing. Allele origin: germline.

Labcorp Genetics (formerly Invitae), Labcorp
Classification: Likely benign for Hajdu-Cheney syndrome. Last evaluated: 2025-07-27. Review status: criteria provided, single submitter. Criteria: Invitae Variant Classification Sherloc (09022015). Collection method: clinical testing. Allele origin: germline.

PreventionGenetics, part of Exact Sciences
Classification: Likely benign for NOTCH2-related condition. Last evaluated: 2023-06-30. Review status: no assertion criteria provided. Collection method: clinical testing. Allele origin: germline. Not counted in ClinVar's aggregate classification.
Comment: This variant is classified as likely benign based on ACMG/AMP sequence variant interpretation guidelines (Richards et al. 2015 PMID: 25741868, with internal and published modifications).

NM_024408.4(NOTCH2):c.3075G>A (p.Glu1025=)

Gene: NOTCH2 (notch receptor 2; minus strand). Cytogenetic location: 1p12.
Variant type: single nucleotide variant.
Coding change: c.3075G>A on transcript NM_024408.4 (MANE Select); coding-DNA position 3075, G replaced by A.
Protein change: p.Glu1025=; no amino-acid change (glutamic acid 1025 retained).
Molecular consequence: synonymous variant.
Genome position (GRCh38, 1-based): chr1:119,940,663, C>T on the plus strand (G>A on the coding strand, the complement: NOTCH2 is on the minus strand). VCF-style: chr1-119940663-C-T. GRCh37 (hg19) VCF-style: chr1-120483286-C-T.
Other names: c.3075G>A, p.Glu1025= (NM_001200001.2).
Identifiers: ClinVar variation 753203 (VCV000753203.12), dbSNP rs782566942, ClinGen allele CA1040150.